The following is an entry in ClinVar:

ClinVar aggregate classification (germline): Uncertain significance (1 of 4 stars; one submission).

gnomAD v4.1: 17 of 1,611,774 alleles (0.0011%); highest among the groups gnomAD compares: Non-Finnish European, 0.0014%; no homozygotes.

Submission:

Labcorp Genetics (formerly Invitae), Labcorp
Classification: Uncertain significance. Last evaluated: 2026-01-06. Review status: criteria provided, single submitter. Criteria: Invitae Variant Classification Sherloc (09022015). Collection method: clinical testing. Allele origin: germline.
Comment: This sequence change replaces isoleucine, which is neutral and non-polar, with threonine, which is neutral and polar, at codon 132 of the LIPC protein (p.Ile132Thr). This variant is present in population databases (no rsID available, gnomAD 0.0009%). This missense change has been observed in individual(s) with dysplipidemia (PMID: 36325899). Invitae Evidence Modeling of protein sequence and biophysical properties (such as structural, functional, and spatial information, amino acid conservation, physicochemical variation, residue mobility, and thermodynamic stability) indicates that this missense variant is not expected to disrupt LIPC protein function with a negative predictive value of 80%. In summary, the available evidence is currently insufficient to determine the role of this variant in disease. Therefore, it has been classified as a Variant of Uncertain Significance.

Literature cited by the submitters: PubMed 36325899.

NM_000236.3(LIPC):c.395T>C (p.Ile132Thr)

Gene: LIPC (lipase C, hepatic type; plus strand). Cytogenetic location: 15q21.3.
Variant type: single nucleotide variant.
Coding change: c.395T>C on transcript NM_000236.3 (MANE Select); coding-DNA position 395, T replaced by C.
Protein change: p.Ile132Thr; replaces isoleucine 132 with threonine.
Molecular consequence: missense variant.
Genome position (GRCh38, 1-based): chr15:58,541,906, T>C. VCF-style: chr15-58541906-T-C. GRCh37 (hg19) VCF-style: chr15-58834105-T-C.
Other names: short protein forms I132T.
Identifiers: ClinVar variation 4803893 (VCV004803893.1).
Genomic context (GRCh38, chr15:58,541,906, plus strand): 5'-CCCAGCCAGTGAACGTGGGGCTGGTGGACTGGATCACCCTGGCCCACGACCACTACACCA[T>C]CGCCGTCCGCAACACCCGCCTTGTGGGCAAGGAGGTCGCGGCTCTTCTCCGGTGGCTGGA-3'
Protein context (NP_000227.2, residues 122-142): WITLAHDHYT[Ile132Thr]AVRNTRLVGK